The following is an entry in ClinVar:

NC_000023.10:g.(?_38525355)_(38546921_?)dup

Gene: TSPAN7 (tetraspanin 7; plus strand). Cytogenetic location: Xp11.4.
Variant type: Duplication.
Identifiers: ClinVar variation 2425185 (VCV002425185.3).

ClinVar aggregate classification (germline): Uncertain significance (1 of 4 stars; one submission).

Submission:

Labcorp Genetics (formerly Invitae), Labcorp
Classification: Uncertain significance. Last evaluated: 2022-10-07. Review status: criteria provided, single submitter. Criteria: Invitae Variant Classification Sherloc (09022015). Collection method: clinical testing. Allele origin: germline.
Comment: This variant results in a copy number gain of the genomic region encompassing exon(s) 2-7 of the TSPAN7 gene. This region includes the termination codon of the gene. This copy number gain extends beyond the assayed region for this gene and therefore may encompass additional genes. As the precise location of this event is unknown, it may be in tandem or it may be located elsewhere in the genome. A similar copy number variant has been observed in individual(s) with X-linked intellectual disability (PMID: 22511893). In summary, the available evidence is currently insufficient to determine the role of this variant in disease. Therefore, it has been classified as a Variant of Uncertain Significance.

Literature cited by the submitters: PubMed 22511893.